The following is an entry in ClinVar:

NM_001267550.2(TTN):c.89288del (p.Gly29763fs)

Genes: TTN (titin; minus strand), TTN-AS1 (TTN antisense RNA 1; plus strand). Cytogenetic location: 2q31.2.
Variant type: Deletion.
Coding change: c.89288del on transcript NM_001267550.2 (MANE Select); coding-DNA position 89288, one base deleted (G; older notation c.89288delG).
Protein change: p.Gly29763fs; shifts the reading frame from glycine 29763.
Molecular consequence: frameshift variant.
Genome position (GRCh38, 1-based): chr2:178,553,717, C deleted on the plus strand (G on the coding strand, the reverse complement: TTN is on the minus strand); the first of 5 consecutive C bases (chr2:178,553,717-178,553,721); deleting any one gives the same sequence. VCF-style (leftmost placement, unchanged base first): chr2-178553716-GC-G. GRCh37 (hg19) VCF-style: chr2-179418443-GC-G.
Other names: c.84365delG (NM_001256850.1); c.84365del, p.Gly28122fs (NM_001256850.1); c.62093del, p.Gly20698fs (NM_003319.4); c.81584del, p.Gly27195fs (NM_133378.4); c.62468del, p.Gly20823fs (NM_133432.3); c.62669del, p.Gly20890fs (NM_133437.4); c.62093delG (NM_003319.4); short protein forms G28122fs, G20823fs, G27195fs, G20698fs, G29763fs, G20890fs.
Identifiers: ClinVar variation 817649 (VCV000817649.7), dbSNP rs1575534208, ClinGen allele CA915942181.

ClinVar aggregate classification (germline): Pathogenic/Likely pathogenic. Review status: criteria provided, multiple submitters, no conflicts (2 of 4 stars). 4 submissions from 4 submitters: Pathogenic (3); Likely pathogenic (1). Last evaluated 2025-12-30.

Conditions:
Dilated cardiomyopathy 1G (CMD1G). Identifiers: Orphanet 154, MedGen C1858763, MONDO:0011400, OMIM 604145.
Autosomal recessive limb-girdle muscular dystrophy type 2J (LGMDR10). Also called: MUSCULAR DYSTROPHY, LIMB-GIRDLE, AUTOSOMAL RECESSIVE 10; Limb-girdle muscular dystrophy, type 2J. Identifiers: Orphanet 140922, MedGen C1837342, MONDO:0012127, OMIM 608807.
Cardiovascular phenotype. Identifiers: MedGen CN230736.

Submissions (4):

Ambry Genetics
Classification: Pathogenic for Cardiovascular phenotype. Last evaluated: 2025-12-30. Review status: criteria provided, single submitter. Criteria: Ambry Variant Classification Scheme 2023. Collection method: clinical testing. Allele origin: germline.
Comment: The c.62093delG pathogenic mutation, located in coding exon 161 of the TTN gene, results from a deletion of one nucleotide at nucleotide position 62093, causing a translational frameshift with a predicted alternate stop codon (p.G20698Afs*11). This exon is located in the A-band region of the N2-B isoform of the titin protein and is constitutively expressed in TTN transcripts (percent spliced in or PSI 100%). This variant was reported in individual(s) with features consistent with dilated cardiomyopathy (Ambry internal data). This variant is considered to be rare based on population cohorts in the Genome Aggregation Database (gnomAD). This variant is expected to result in loss of function by premature protein truncation or nonsense-mediated mRNA decay. While truncating variants in TTN are present in 1-3% of the general population, truncating variants in the A-band are the most common cause of dilated cardiomyopathy (Herman DS et al. N. Engl. J. Med., 2012 Feb;366:619-28; Roberts AM et al. Sci Transl Med, 2015 Jan;7:270ra6). TTN truncating variants encoded in constitutive exons (PSI >90%) have been found to be significantly associated with DCM regardless of their position in titin (Schafer S et al. Nat. Genet., 2017 01;49:46-53; Akhtar MM et al. Circ Heart Fail, 2020 Oct;13:e006832; Massier M et al. Clin Genet, 2025 Jan). Based on the supporting evidence, this variant is interpreted as a disease-causing mutation.

Labcorp Genetics (formerly Invitae), Labcorp
Classification: Likely pathogenic for Dilated cardiomyopathy 1G; Autosomal recessive limb-girdle muscular dystrophy type 2J. Last evaluated: 2025-05-17. Review status: criteria provided, single submitter. Criteria: Invitae Variant Classification Sherloc (09022015). Collection method: clinical testing. Allele origin: germline.
Comment: This sequence change creates a premature translational stop signal (p.Gly29763Alafs*11) in the TTN gene. While this is not anticipated to result in nonsense mediated decay, it is expected to create a truncated TTN protein. This variant is not present in population databases (gnomAD no frequency). This variant has not been reported in the literature in individuals affected with TTN-related conditions. ClinVar contains an entry for this variant (Variation ID: 817649). This variant is located in the A band of TTN (PMID: 25589632). Truncating variants in this region are significantly overrepresented in patients affected with dilated cardiomyopathy (PMID: 25589632). Truncating variants in this region have also been reported in individuals affected with autosomal recessive centronuclear myopathy (PMID: 23975875). In summary, the currently available evidence indicates that the variant is pathogenic, but additional data are needed to prove that conclusively. Therefore, this variant has been classified as Likely Pathogenic.

Human Genetics Bochum, Ruhr University Bochum
Classification: Pathogenic for Dilated cardiomyopathy 1G. Last evaluated: 2024-04-24. Review status: criteria provided, single submitter. Criteria: ACMG Guidelines, 2015. Collection method: clinical testing. Allele origin: germline. Affected: yes.
Comment: ACMG criteria used to clasify this variant: PVS1, PM1_SUP, PM2_SUP

GeneDx
Classification: Pathogenic. Last evaluated: 2022-12-12. Review status: criteria provided, single submitter. Criteria: GeneDx Variant Classification Process June 2021. Collection method: clinical testing. Allele origin: germline. Affected: yes.
Comment: Has not been previously published as pathogenic or benign to our knowledge; Not observed at significant frequency in large population cohorts (gnomAD); Frameshift variant predicted to result in protein truncation or nonsense mediated decay in a gene for which loss-of-function is a known mechanism of disease; Located in the A-band region of TTN in which the majority of loss of function variants have been associated with autosomal dominant titinopathies (Herman et al., 2012); This variant is associated with the following publications: (PMID: 22335739)

Literature cited by the submitters: PubMed 25589632 (cited by Labcorp Genetics (formerly Invitae), Labcorp); PubMed 23975875 (cited by Labcorp Genetics (formerly Invitae), Labcorp); PubMed 31216868 (cited by Human Genetics Bochum, Ruhr University Bochum).